The following is an entry in ClinVar:

ClinVar aggregate classification (germline): Uncertain significance (1 of 4 stars; one submission).

Submission:

Labcorp Genetics (formerly Invitae), Labcorp
Classification: Uncertain significance. Last evaluated: 2022-02-18. Review status: criteria provided, single submitter. Criteria: Invitae Variant Classification Sherloc (09022015). Collection method: clinical testing. Allele origin: germline.
Comment: This sequence change replaces alanine, which is neutral and non-polar, with threonine, which is neutral and polar, at codon 86 of the TUBGCP6 protein (p.Ala86Thr). This variant is not present in population databases (gnomAD no frequency). This variant has not been reported in the literature in individuals affected with TUBGCP6-related conditions. Algorithms developed to predict the effect of missense changes on protein structure and function are either unavailable or do not agree on the potential impact of this missense change (SIFT: "Deleterious"; PolyPhen-2: "Probably Damaging"; Align-GVGD: "Class C0"). In summary, the available evidence is currently insufficient to determine the role of this variant in disease. Therefore, it has been classified as a Variant of Uncertain Significance.

NM_020461.4(TUBGCP6):c.256G>A (p.Ala86Thr)

Gene: TUBGCP6 (tubulin gamma complex component 6; minus strand). Cytogenetic location: 22q13.33.
Variant type: single nucleotide variant.
Coding change: c.256G>A on transcript NM_020461.4 (MANE Select); coding-DNA position 256, G replaced by A.
Protein change: p.Ala86Thr; replaces alanine 86 with threonine.
Molecular consequence: missense variant.
Genome position (GRCh38, 1-based): chr22:50,244,204, C>T on the plus strand (G>A on the coding strand, the complement: TUBGCP6 is on the minus strand). VCF-style: chr22-50244204-C-T. GRCh37 (hg19) VCF-style: chr22-50682633-C-T.
Other names: short protein forms A86T.
Identifiers: ClinVar variation 2098614 (VCV002098614.4), dbSNP rs2519213073, ClinGen allele CA412116424.
Genomic context (GRCh38, chr22:50,244,204, plus strand): 5'-CCAAAAGCGGACAGCAAGGGGCTGCTTCCAGCTCCTCCACAAGCTCCTCCAAACGGTCGG[C>T]CTTGGGGCCCAGGCCACCCACTCTCAAGTCAAAGGACAACATGAGGATCTTGTTTCTCGC-3'
Protein context (NP_065194.3, residues 76-96): DLRVGGLGPK[Ala86Thr]DRLEELVEEL